The following is an entry in ClinVar:

NM_000143.4(FH):c.1484A>G (p.Glu495Gly)

Gene: FH (fumarate hydratase; minus strand). Cytogenetic location: 1q43.
Variant type: single nucleotide variant.
Coding change: c.1484A>G on transcript NM_000143.4 (MANE Select); coding-DNA position 1484, A replaced by G.
Protein change: p.Glu495Gly; replaces glutamic acid 495 with glycine.
Molecular consequence: missense variant.
Genome position (GRCh38, 1-based): chr1:241,497,877, T>C on the plus strand (A>G on the coding strand, the complement: FH is on the minus strand). VCF-style: chr1-241497877-T-C. GRCh37 (hg19) VCF-style: chr1-241661177-T-C.
Other names: c.1484A>G (NM_000143.3); short protein forms E495G.
Identifiers: ClinVar variation 1518517 (VCV001518517.9), dbSNP rs2147911220, ClinGen allele CA345450410.

ClinVar aggregate classification (germline): Uncertain significance. Review status: criteria provided, multiple submitters, no conflicts (2 of 4 stars). 2 submissions from 2 submitters: Uncertain significance (2). Last evaluated 2023-10-21.

Conditions:
Hereditary cancer-predisposing syndrome. Also called: Hereditary neoplastic syndrome; Hereditary Cancer Syndrome; Tumor predisposition; Neoplastic Syndromes, Hereditary. Identifiers: Orphanet 140162, MedGen C0027672, MeSH D009386, MONDO:0015356.

Submissions (2):

Ambry Genetics
Classification: Uncertain significance for Hereditary cancer-predisposing syndrome. Last evaluated: 2023-10-21. Review status: criteria provided, single submitter. Criteria: Ambry Variant Classification Scheme 2023. Collection method: clinical testing. Allele origin: germline.
Comment: The p.E495G variant (also known as c.1484A>G), located in coding exon 10 of the FH gene, results from an A to G substitution at nucleotide position 1484. The glutamic acid at codon 495 is replaced by glycine, an amino acid with similar properties. This amino acid position is conserved. In addition, this alteration is predicted to be deleterious by in silico analysis. Since supporting evidence is limited at this time, the clinical significance of this alteration remains unclear.

Labcorp Genetics (formerly Invitae), Labcorp
Classification: Uncertain significance. Last evaluated: 2022-05-27. Review status: criteria provided, single submitter. Criteria: Invitae Variant Classification Sherloc (09022015). Collection method: clinical testing. Allele origin: germline.
Comment: This variant is not present in population databases (gnomAD no frequency). This sequence change replaces glutamic acid, which is acidic and polar, with glycine, which is neutral and non-polar, at codon 495 of the FH protein (p.Glu495Gly). In summary, the available evidence is currently insufficient to determine the role of this variant in disease. Therefore, it has been classified as a Variant of Uncertain Significance. Advanced modeling of protein sequence and biophysical properties (such as structural, functional, and spatial information, amino acid conservation, physicochemical variation, residue mobility, and thermodynamic stability) performed at Invitae indicates that this missense variant is expected to disrupt FH protein function. This variant has not been reported in the literature in individuals affected with FH-related conditions.